The following is an entry in ClinVar:

NM_001365902.3(NFIX):c.1088G>A (p.Arg363Gln)

Gene: NFIX (nuclear factor I X; plus strand). Cytogenetic location: 19p13.13.
Variant type: single nucleotide variant.
Coding change: c.1088G>A on transcript NM_001365902.3 (MANE Select); coding-DNA position 1088, G replaced by A.
Protein change: p.Arg363Gln; replaces arginine 363 with glutamine.
Molecular consequence: missense variant.
Genome position (GRCh38, 1-based): chr19:13,081,689, G>A. VCF-style: chr19-13081689-G-A. GRCh37 (hg19) VCF-style: chr19-13192503-G-A.
Other names: c.1112G>A, p.Arg371Gln (NM_001271043.2); c.1064G>A, p.Arg355Gln (NM_001271044.3, NM_001378404.1); c.965G>A, p.Arg322Gln (NM_001365982.2); c.947G>A, p.Arg316Gln (NM_001365983.2); c.1085G>A, p.Arg362Gln (NM_001365984.2, NM_001365985.2); c.1136G>A, p.Arg379Gln (NM_001378405.1); c.1088G>A, p.Arg363Gln (NM_002501.4); short protein forms R363Q, R371Q, R316Q, R362Q, R322Q, R355Q, R379Q.
Identifiers: ClinVar variation 391930 (VCV000391930.2), dbSNP rs1057524294, ClinGen allele CA16608869.

ClinVar aggregate classification (germline): Uncertain significance (1 of 4 stars; one submission).

Submission:

GeneDx
Classification: Uncertain significance. Last evaluated: 2016-12-19. Review status: criteria provided, single submitter. Criteria: GeneDx Variant Classification (06012015). Collection method: clinical testing. Allele origin: germline. Affected: yes.
Comment: A variant of uncertain significance has been identified in the NFIX gene. The R371Q variant has not been published as a pathogenic variant, nor has it been reported as a benign variant to our knowledge. The R371Q variant is not observed in large population cohorts (Lek et al., 2016; 1000 Genomes Consortium et al., 2015; Exome Variant Server). The R371Q variant is a semi-conservative amino acid substitution, which may impact secondary protein structure as these residues differ in some properties. This substitution occurs at a position that is conserved across species. However, in silico analysis is inconsistent in its predictions as to whether or not the variant is damaging to the protein structure/function. Therefore, based on the currently available information, it is unclear whether this variant is a pathogenic variant or a rare benign variant.